The following is an entry in ClinVar:

NM_000245.4(MET):c.1131C>G (p.Ile377Met)

Gene: MET (MET proto-oncogene, receptor tyrosine kinase; plus strand). Cytogenetic location: 7q31.2.
Variant type: single nucleotide variant.
Coding change: c.1131C>G on transcript NM_000245.4 (MANE Select); coding-DNA position 1131, C replaced by G.
Protein change: p.Ile377Met; replaces isoleucine 377 with methionine.
Molecular consequence: missense variant. On other transcripts: intron variant (1).
Genome position (GRCh38, 1-based): chr7:116,700,215, C>G. VCF-style: chr7-116700215-C-G. GRCh37 (hg19) VCF-style: chr7-116340269-C-G.
Other names: c.1131C>G, p.Ile377Met (NM_001127500.3, NM_001324401.3); c.-91+27638C>G (NM_001324402.2); short protein forms I377M.
Identifiers: ClinVar variation 1477642 (VCV001477642.8), dbSNP rs28444388, ClinGen allele CA368970607.

ClinVar aggregate classification (germline): Uncertain significance (1 of 4 stars; one submission).

Conditions:
Renal cell carcinoma. Identifiers: Orphanet 217071, MedGen C0007134, MeSH D002292, MONDO:0005086, HP:0005584.

Submission:

Labcorp Genetics (formerly Invitae), Labcorp
Classification: Uncertain significance for Renal cell carcinoma. Last evaluated: 2021-04-14. Review status: criteria provided, single submitter. Criteria: Invitae Variant Classification Sherloc (09022015). Collection method: clinical testing. Allele origin: germline.
Comment: This sequence change replaces isoleucine with methionine at codon 377 of the MET protein (p.Ile377Met). The isoleucine residue is moderately conserved and there is a small physicochemical difference between isoleucine and methionine. This variant is not present in population databases (ExAC no frequency). This variant has not been reported in the literature in individuals with MET-related conditions. Algorithms developed to predict the effect of missense changes on protein structure and function are either unavailable or do not agree on the potential impact of this missense change (SIFT: "Tolerated"; PolyPhen-2: "Probably Damaging"; Align-GVGD: "Class C0"). In summary, the available evidence is currently insufficient to determine the role of this variant in disease. Therefore, it has been classified as a Variant of Uncertain Significance.